The following is an entry in ClinVar:

ClinVar aggregate classification (germline): Uncertain significance (1 of 4 stars; one submission).

Submission:

Women's Health and Genetics/Laboratory Corporation of America, LabCorp
Classification: Uncertain significance. Last evaluated: 2021-07-02. Review status: criteria provided, single submitter. Criteria: LabCorp Variant Classification Summary - May 2015. Collection method: clinical testing. Allele origin: germline.
Comment: Variant summary: GLA c.913_945dup33 (p.Pro305_Asp315dup) results in an in-frame duplication that is predicted to duplicate 11 amino acids into the encoded protein. The variant was absent in 183506 control chromosomes. To our knowledge, no occurrence of c.913_945dup33 in individuals affected with Fabry Disease and no experimental evidence demonstrating its impact on protein function have been reported. No clinical diagnostic laboratories have submitted clinical-significance assessments for this variant to ClinVar after 2014. Based on the evidence outlined above, the variant was classified as VUS.

NM_000169.3(GLA):c.913_945dup (p.Asp315_Val316insProGlnAlaLysAlaLeuLeuGlnAspLysAsp)

Genes: GLA (galactosidase alpha; minus strand), RPL36A-HNRNPH2 (RPL36A-HNRNPH2 readthrough; plus strand). Cytogenetic location: Xq22.1.
Variant type: Duplication.
Coding change: c.913_945dup on transcript NM_000169.3 (MANE Select); coding-DNA positions 913 to 945, 33 bases duplicated.
Protein change: p.Asp315_Val316insProGlnAlaLysAlaLeuLeuGlnAspLysAsp.
Molecular consequence: inframe insertion. On other transcripts: inframe indel (1), non-coding transcript variant (3), intron variant (2).
Genome position (GRCh38, 1-based): chrX:101,398,424-101,398,456, 33 bases duplicated; duplicating any 33 consecutive bases within chrX:101,398,424-101,398,457 gives the same sequence; the c. name uses the placement nearest the transcript's 3' end. GRCh37 (hg19): chrX:100,653,413-100,653,445.
Other names: c.913_945dup33 (NM_000169.2); c.1036_1068dup, p.Asp356_Val357insProGlnAlaLysAlaLeuLeuGlnAspLysAsp (NM_001406747.1); c.913_945dup, p.Asp315_Val316insProGlnAlaLysAlaLeuLeuGlnAspLysAsp (NM_001406748.1); c.300+2968_300+3000dup (NM_001199973.2); c.177+6603_177+6635dup (NM_001199974.2).
Identifiers: ClinVar variation 1177260 (VCV001177260.1), dbSNP rs2147471995, ClinGen allele CA2499226270.
Genomic context (GRCh38, chrX:101,398,423, plus strand): 5'-TATTTACCTGTCTAAGCTGGTACCCTTGCTTGCCCAAGGGGTCCTGATTGATGGCAATTA[C>CGTCCTTATCCTGAAGGAGAGCTTTGGCTTGAGG]GTCCTTATCCTGAAGGAGAGCTTTGGCTTGAGGGCTGATGTGTCGGAGGTCATTAGACAT-3'